The following is an entry in ClinVar:

ClinVar aggregate classification (germline): Likely benign. Review status: criteria provided, multiple submitters, no conflicts (2 of 4 stars). 6 submissions from 6 submitters: Likely benign (6). Last evaluated 2025-04-17.

Conditions:
Loeys-Dietz syndrome 2 (LDS2). Also called: Marfan syndrome, type 2 (formerly); AORTIC ANEURYSM, FAMILIAL THORACIC 3; MARFAN SYNDROME, TYPE II; Marfan Syndrome type 2; Marfan like connective tissue disorder; MFS 2. Identifiers: Orphanet 284973, Orphanet 558, MedGen C2674574, MONDO:0012427, OMIM 610168.
Familial thoracic aortic aneurysm and aortic dissection (TAAD). Also called: Thoracic aortic aneurysms and dissections. Identifiers: Orphanet 91387, MedGen C4707243, MONDO:0019625.

Allele frequency attached by ClinVar (database versions not stated): gnomAD 0.00001; ExAC 0.00002; gnomAD exomes 0.00002.
gnomAD v4.1: 31 of 1,613,994 alleles (0.0019%); highest among the groups gnomAD compares: South Asian, 0.0077%; no homozygotes.

Submissions (6):

Labcorp Genetics (formerly Invitae), Labcorp
Classification: Likely benign for Familial thoracic aortic aneurysm and aortic dissection. Last evaluated: 2025-04-17. Review status: criteria provided, single submitter. Criteria: Invitae Variant Classification Sherloc (09022015). Collection method: clinical testing. Allele origin: germline.

Blueprint Genetics
Classification: Likely benign. Last evaluated: 2024-08-12. Review status: criteria provided, single submitter. Criteria: ACMG Guidelines, 2015. Collection method: clinical testing. Allele origin: germline.

All of Us Research Program, National Institutes of Health
Classification: Likely benign for Loeys-Dietz syndrome 2. Last evaluated: 2023-12-18. Review status: criteria provided, single submitter. Criteria: ACMG Guidelines, 2015. Collection method: clinical testing. Allele origin: germline. Inheritance: Autosomal dominant inheritance. Observed: 7 variant alleles, 7 heterozygotes.
Comment: This study involves interpretation of variants in research participants for the purpose of population health screening. Participant phenotype was not available at the time of variant classification. Additional details can be found in publication PMID: 35346344, PMCID: PMC8962531

GeneDx
Classification: Likely benign. Last evaluated: 2021-05-27. Review status: criteria provided, single submitter. Criteria: GeneDx Variant Classification Process June 2021. Collection method: clinical testing. Allele origin: germline. Affected: yes.

Color Diagnostics, LLC DBA Color Health
Classification: Likely benign for Familial thoracic aortic aneurysm and aortic dissection. Last evaluated: 2019-12-16. Review status: criteria provided, single submitter. Criteria: ACMG Guidelines, 2015. Collection method: clinical testing. Allele origin: germline.

Ambry Genetics
Classification: Likely benign for Familial thoracic aortic aneurysm and aortic dissection. Last evaluated: 2017-08-21. Review status: criteria provided, single submitter. Criteria: Ambry Variant Classification Scheme 2023. Collection method: clinical testing. Allele origin: germline.

NM_003242.6(TGFBR2):c.1659G>A (p.Ser553=)

Gene: TGFBR2 (transforming growth factor beta receptor 2; plus strand). Cytogenetic location: 3p24.1.
Variant type: single nucleotide variant.
Coding change: c.1659G>A on transcript NM_003242.6 (MANE Select); coding-DNA position 1659, G replaced by A.
Protein change: p.Ser553=; no amino-acid change (serine 553 retained).
Molecular consequence: synonymous variant.
Genome position (GRCh38, 1-based): chr3:30,691,554, G>A. VCF-style: chr3-30691554-G-A. GRCh37 (hg19) VCF-style: chr3-30733046-G-A.
Other names: c.1734G>A, p.Ser578= (NM_001024847.3); c.1842G>A, p.Ser614= (NM_001407126.1); c.1767G>A, p.Ser589= (NM_001407127.1); c.1686G>A, p.Ser562= (NM_001407128.1); c.1662G>A, p.Ser554= (NM_001407129.1); c.1656G>A, p.Ser552= (NM_001407130.1); c.1554G>A, p.Ser518= (NM_001407132.1, NM_001407133.1, NM_001407134.1 and 2 more transcripts); c.1374G>A, p.Ser458= (NM_001407137.1); and 2 more.
Identifiers: ClinVar variation 924063 (VCV000924063.14), dbSNP rs771926828, ClinGen allele CA047279.